The following is an entry in ClinVar:

NM_001374828.1(ARID1B):c.1293_1320dup (p.Tyr441fs)

Gene: ARID1B (AT-rich interaction domain 1B; plus strand). Cytogenetic location: 6q25.3.
Variant type: Duplication.
Coding change: c.1293_1320dup on transcript NM_001374828.1 (MANE Select); coding-DNA positions 1293 to 1320, 28 bases duplicated (AGCAGCAGGAGGCGGCGGCGGCGGCGGC).
Protein change: p.Tyr441fs; shifts the reading frame from tyrosine 441.
Molecular consequence: frameshift variant.
Genome position (GRCh38, 1-based): chr6:156,778,973-156,779,000, AGCAGCAGGAGGCGGCGGCGGCGGCGGC duplicated; duplicating any 28 consecutive bases within chr6:156,778,959-156,779,000 gives the same sequence; the c. name uses the placement nearest the transcript's 3' end. VCF-style (leftmost placement, unchanged base first): chr6-156778958-C-CGCGGCGGCGGCGGCAGCAGCAGGAGGCG. GRCh37 (hg19) VCF-style: chr6-157100092-C-CGCGGCGGCGGCGGCAGCAGCAGGAGGCG.
Other names: c.1044_1071dup, p.Tyr358Serfs (NM_001346813.1, NM_020732.3); c.1293_1320dup, p.Tyr441fs (NM_001371656.1, NM_001374820.1, NM_017519.3); c.870_897dup, p.Tyr300Serfs (NM_175863.2); short protein forms Y441fs.
Identifiers: ClinVar variation 2691881 (VCV002691881.5), dbSNP rs1554247989, ClinGen allele CA2697553799.

ClinVar aggregate classification (germline): Pathogenic/Likely pathogenic. Review status: criteria provided, multiple submitters, no conflicts (2 of 4 stars). 3 submissions from 3 submitters: Pathogenic (2); Likely pathogenic (1). Last evaluated 2024-08-28.

Conditions:
Coffin-Siris syndrome 1 (CSS1). Also called: Mental retardation, autosomal dominant 12; ARID1B-Related Coffin-Siris Syndrome. Identifiers: Orphanet 1465, MedGen C3281201, MONDO:0007617, OMIM 135900. Disease mechanism: gain of function.

Submissions (3):

Labcorp Genetics (formerly Invitae), Labcorp
Classification: Pathogenic. Last evaluated: 2024-08-28. Review status: criteria provided, single submitter. Criteria: Invitae Variant Classification Sherloc (09022015). Collection method: clinical testing. Allele origin: germline.
Comment: This sequence change creates a premature translational stop signal (p.Tyr358Serfs*186) in the ARID1B gene. It is expected to result in an absent or disrupted protein product. Loss-of-function variants in ARID1B are known to be pathogenic (PMID: 25674384, 30349098). The frequency data for this variant in the population databases is considered unreliable, as metrics indicate insufficient coverage at this position in the gnomAD database. This variant has not been reported in the literature in individuals affected with ARID1B-related conditions. For these reasons, this variant has been classified as Pathogenic.

GeneDx
Classification: Pathogenic. Last evaluated: 2023-12-23. Review status: criteria provided, single submitter. Criteria: GeneDx Variant Classification Process June 2021. Collection method: clinical testing. Allele origin: germline. Affected: yes.
Comment: Frameshift variant predicted to result in protein truncation or nonsense mediated decay in a gene for which loss-of-function is a known mechanism of disease; Not observed at significant frequency in large population cohorts (gnomAD); Has not been previously published as pathogenic or benign to our knowledge

Institute of Human Genetics, University of Leipzig Medical Center
Classification: Likely pathogenic for Coffin-Siris syndrome 1. Last evaluated: 2023-12-11. Review status: criteria provided, single submitter. Criteria: ACMG Guidelines, 2015. Collection method: clinical testing. Allele origin: unknown. Inheritance: Autosomal dominant inheritance. Affected: yes.
Comment: Criteria applied: PVS1,PM2_SUP

Literature cited by the submitters: PubMed 25674384 (cited by Labcorp Genetics (formerly Invitae), Labcorp); PubMed 30349098 (cited by Labcorp Genetics (formerly Invitae), Labcorp).